The following is an entry in ClinVar:

ClinVar aggregate classification (germline): Uncertain significance (1 of 4 stars; one submission).

gnomAD v4.1: 2 of 1,602,760 alleles (0.00012%); highest among the groups gnomAD compares: South Asian, 0.0011%; no homozygotes.

Submission:

Labcorp Genetics (formerly Invitae), Labcorp
Classification: Uncertain significance. Last evaluated: 2022-07-19. Review status: criteria provided, single submitter. Criteria: Invitae Variant Classification Sherloc (09022015). Collection method: clinical testing. Allele origin: germline.
Comment: This variant occurs in a non-coding region of the EYS gene. It does not change the encoded amino acid sequence of the EYS protein. This variant is not present in population databases (gnomAD no frequency). This variant has not been reported in the literature in individuals affected with EYS-related conditions. ClinVar contains an entry for this variant (Variation ID: 1393418). Experimental studies and prediction algorithms are not available or were not evaluated, and the functional significance of this variant is currently unknown. In summary, the available evidence is currently insufficient to determine the role of this variant in disease. Therefore, it has been classified as a Variant of Uncertain Significance.

NM_001142800.2(EYS):c.-27T>A

Gene: EYS (eyes shut homolog; minus strand). Cytogenetic location: 6q12.
Variant type: single nucleotide variant.
Coding change: c.-27T>A on transcript NM_001142800.2 (MANE Select); 27 bases upstream of the start codon, T replaced by A.
Molecular consequence: 5 prime UTR variant.
Genome position (GRCh38, 1-based): chr6:65,495,437, A>T on the plus strand (T>A on the coding strand, the complement: EYS is on the minus strand). VCF-style: chr6-65495437-A-T. GRCh37 (hg19) VCF-style: chr6-66205330-A-T.
Other names: c.-27T>A (NM_001142801.2, NM_001292009.2, NM_198283.2).
Identifiers: ClinVar variation 1393418 (VCV001393418.4), dbSNP rs769133109, ClinGen allele CA3878153.